The following is an entry in ClinVar:

NM_001080517.3(SETD5):c.2354T>C (p.Ile785Thr)

Gene: SETD5 (SET domain containing 5; plus strand). Cytogenetic location: 3p25.3.
Variant type: single nucleotide variant.
Coding change: c.2354T>C on transcript NM_001080517.3 (MANE Select); coding-DNA position 2354, T replaced by C.
Protein change: p.Ile785Thr; replaces isoleucine 785 with threonine.
Molecular consequence: missense variant.
Genome position (GRCh38, 1-based): chr3:9,453,746, T>C. VCF-style: chr3-9453746-T-C. GRCh37 (hg19) VCF-style: chr3-9495430-T-C.
Other names: c.2354T>C (NM_001080517.1); c.2060T>C, p.Ile687Thr (NM_001292043.2, NM_001349451.2); short protein forms I687T, I785T.
Identifiers: ClinVar variation 1495027 (VCV001495027.9), dbSNP rs1434450419, ClinGen allele CA351703250.
Genomic context (GRCh38, chr3:9,453,746, plus strand): 5'-ACTAAATAGTTTTAGATAATTATTGATAATTCTCTGGTTCTTTTCAATTATAGCGCTGGA[T>C]AAAACAAGCCTTAGAAGAAGGGATGACTCAAACATCATCTGTACCCCAAGAGACTAGAAC-3'
Protein context (NP_001073986.1, residues 775-795): GTFSSCKKRW[Ile785Thr]KQALEEGMTQ

ClinVar aggregate classification (germline): Conflicting classifications of pathogenicity. Review status: criteria provided, conflicting classifications (1 of 4 stars). 2 submissions from 2 submitters: Uncertain significance (1); Likely benign (1). Last evaluated 2025-08-14.

Conditions:
Inborn genetic diseases. Identifiers: MedGen C0950123, MeSH D030342.

Allele frequency attached by ClinVar (database versions not stated): gnomAD exomes below 0.00001; gnomAD 0.00002; TOPMed 0.00002.
gnomAD v4.1: 8 of 1,593,226 alleles (0.0005%); highest among the groups gnomAD compares: Non-Finnish European, 0.00068%; no homozygotes.

Submissions (2):

Ambry Genetics
Classification: Likely benign for Inborn genetic diseases. Last evaluated: 2025-08-14. Review status: criteria provided, single submitter. Criteria: Ambry Variant Classification Scheme 2023. Collection method: clinical testing. Allele origin: germline.

Labcorp Genetics (formerly Invitae), Labcorp
Classification: Uncertain significance. Last evaluated: 2025-04-17. Review status: criteria provided, single submitter. Criteria: Invitae Variant Classification Sherloc (09022015). Collection method: clinical testing. Allele origin: germline.
Comment: This sequence change replaces isoleucine, which is neutral and non-polar, with threonine, which is neutral and polar, at codon 785 of the SETD5 protein (p.Ile785Thr). This variant is present in population databases (no rsID available, gnomAD 0.002%). This variant has not been reported in the literature in individuals affected with SETD5-related conditions. ClinVar contains an entry for this variant (Variation ID: 1495027). Invitae Evidence Modeling of protein sequence and biophysical properties (such as structural, functional, and spatial information, amino acid conservation, physicochemical variation, residue mobility, and thermodynamic stability) indicates that this missense variant is not expected to disrupt SETD5 protein function with a negative predictive value of 80%. In summary, the available evidence is currently insufficient to determine the role of this variant in disease. Therefore, it has been classified as a Variant of Uncertain Significance.